The following is an entry in ClinVar:

NM_144997.7(FLCN):c.1638T>C (p.Asn546=)

Gene: FLCN (folliculin; minus strand). Cytogenetic location: 17p11.2.
Variant type: single nucleotide variant.
Coding change: c.1638T>C on transcript NM_144997.7 (MANE Select); coding-DNA position 1638, T replaced by C.
Protein change: p.Asn546=; no amino-acid change (asparagine 546 retained).
Molecular consequence: synonymous variant.
Genome position (GRCh38, 1-based): chr17:17,213,757, A>G on the plus strand (T>C on the coding strand, the complement: FLCN is on the minus strand). VCF-style: chr17-17213757-A-G. GRCh37 (hg19) VCF-style: chr17-17117071-A-G.
Other names: c.1692T>C, p.Asn564= (NM_001353229.2); c.1638T>C, p.Asn546= (NM_001353230.2, NM_001353231.2).
Identifiers: ClinVar variation 3001443 (VCV003001443.5), dbSNP rs1317525064, ClinGen allele CA498163094.

ClinVar aggregate classification (germline): Benign/Likely benign. Review status: criteria provided, multiple submitters, no conflicts (2 of 4 stars). 3 submissions from 3 submitters: Benign (1); Likely benign (2). Last evaluated 2024-10-28.

Conditions:
Birt-Hogg-Dube syndrome. Also called: Birt Hogg Dubé syndrome. Identifiers: Orphanet 122, MedGen C0346010, MONDO:0800444.
Hereditary cancer-predisposing syndrome. Also called: Hereditary Cancer Syndrome; Hereditary neoplastic syndrome; Neoplastic Syndromes, Hereditary; Tumor predisposition. Identifiers: Orphanet 140162, MedGen C0027672, MeSH D009386, MONDO:0015356.
Birt-Hogg-Dube syndrome 1 (BHD1). Also called: FIBROFOLLICULOMAS WITH TRICHODISCOMAS AND ACROCHORDONS. Identifiers: Orphanet 122, MedGen CN375946, MONDO:0800445, OMIM 135150.

Allele frequency attached by ClinVar (database versions not stated): gnomAD exomes below 0.00001.
gnomAD v4.1: 6 of 1,614,186 alleles (0.00037%); highest among the groups gnomAD compares: South Asian, 0.0011%; no homozygotes.

Submissions (3):

Myriad Genetics, Inc.
Classification: Benign for Birt-Hogg-Dube syndrome 1. Last evaluated: 2024-10-28. Review status: criteria provided, single submitter. Criteria: Myriad Autosomal Dominant, Autosomal Recessive and X-Linked Classification Criteria (2023). Collection method: clinical testing. Allele origin: unknown.
Comment: This variant is considered benign. This variant is a silent/synonymous amino acid change and it is not expected to impact splicing.

Ambry Genetics
Classification: Likely benign for Hereditary cancer-predisposing syndrome. Last evaluated: 2023-12-30. Review status: criteria provided, single submitter. Criteria: Ambry Variant Classification Scheme 2023. Collection method: clinical testing. Allele origin: germline.

Labcorp Genetics (formerly Invitae), Labcorp
Classification: Likely benign for Birt-Hogg-Dube syndrome. Last evaluated: 2023-02-14. Review status: criteria provided, single submitter. Criteria: Invitae Variant Classification Sherloc (09022015). Collection method: clinical testing. Allele origin: germline.